The following is an entry in ClinVar:

ClinVar aggregate classification (germline): Uncertain significance (1 of 4 stars; one submission).

Conditions:
Neurofibromatosis, type 1 (NF1). Also called: VON RECKLINGHAUSEN DISEASE; Neurofibromatosis, type I; NEUROFIBROMATOSIS, TYPE I, SOMATIC; Peripheral type neurofibromatosis. Identifiers: Orphanet 636, MedGen C0027831, MONDO:0018975, OMIM 162200. Disease mechanism: loss of function.

gnomAD v4.1: 1 of 1,614,136 alleles (0.000062%); highest among the groups gnomAD compares: African/African-American, 0.0013%; no homozygotes.

Submission:

Labcorp Genetics (formerly Invitae), Labcorp
Classification: Uncertain significance for Neurofibromatosis, type 1. Last evaluated: 2025-08-20. Review status: criteria provided, single submitter. Criteria: Invitae Variant Classification Sherloc (09022015). Collection method: clinical testing. Allele origin: germline.
Comment: This sequence change replaces phenylalanine, which is neutral and non-polar, with leucine, which is neutral and non-polar, at codon 1778 of the NF1 protein (p.Phe1778Leu). This variant is not present in population databases (gnomAD no frequency). This variant has not been reported in the literature in individuals affected with NF1-related conditions. Invitae Evidence Modeling of protein sequence and biophysical properties (such as structural, functional, and spatial information, amino acid conservation, physicochemical variation, residue mobility, and thermodynamic stability) indicates that this missense variant is expected to disrupt NF1 protein function with a positive predictive value of 95%. Algorithms developed to predict the effect of sequence changes on RNA splicing suggest that this variant may create or strengthen a splice site. In summary, the available evidence is currently insufficient to determine the role of this variant in disease. Therefore, it has been classified as a Variant of Uncertain Significance.

NM_001042492.3(NF1):c.5397C>A (p.Phe1799Leu)

Gene: NF1 (neurofibromin 1; plus strand). Cytogenetic location: 17q11.2.
Variant type: single nucleotide variant.
Coding change: c.5397C>A on transcript NM_001042492.3 (MANE Select); coding-DNA position 5397, C replaced by A.
Protein change: p.Phe1799Leu; replaces phenylalanine 1799 with leucine.
Molecular consequence: missense variant.
Genome position (GRCh38, 1-based): chr17:31,327,627, C>A. VCF-style: chr17-31327627-C-A. GRCh37 (hg19) VCF-style: chr17-29654645-C-A.
Other names: c.5334C>A, p.Phe1778Leu (NM_000267.4); short protein forms F1778L, F1799L.
Identifiers: ClinVar variation 4800780 (VCV004800780.1).